The following is an entry in ClinVar:

NM_024301.5(FKRP):c.583G>T (p.Asp195Tyr)

Gene: FKRP (fukutin related protein; plus strand). Cytogenetic location: 19q13.32.
Variant type: single nucleotide variant.
Coding change: c.583G>T on transcript NM_024301.5 (MANE Select); coding-DNA position 583, G replaced by T.
Protein change: p.Asp195Tyr; replaces aspartic acid 195 with tyrosine.
Molecular consequence: missense variant.
Genome position (GRCh38, 1-based): chr19:46,756,033, G>T. VCF-style: chr19-46756033-G-T. GRCh37 (hg19) VCF-style: chr19-47259290-G-T.
Other names: c.583G>T, p.Asp195Tyr (NM_001039885.3); short protein forms D195Y.
Identifiers: ClinVar variation 1051148 (VCV001051148.6), dbSNP rs1289689195, ClinGen allele CA406495607.
Genomic context (GRCh38, chr19:46,756,033, plus strand): 5'-CTGCGAGAGTGGACCGCCCGCTATGGCGCAGCCCCCGCCGCGCCCCGCTGCGACGCCCTG[G>T]ACGGAGATGCTGTGGTGCTCCTGCGCGCCCGCGACCTCTTCAACCTCTCGGCGCCCCTGG-3'
Protein context (NP_077277.1, residues 185-205): APAAPRCDAL[Asp195Tyr]GDAVVLLRAR

ClinVar aggregate classification (germline): Uncertain significance (1 of 4 stars; one submission).

Conditions:
Walker-Warburg congenital muscular dystrophy. Also called: Muscular dystrophy-dystroglycanopathy, type A; Walker-Warburg syndrome. Identifiers: Orphanet 899, MedGen C0265221, MONDO:0000171.

Allele frequency attached by ClinVar (database versions not stated): TOPMed below 0.00001; gnomAD 0.00001.

Submission:

Labcorp Genetics (formerly Invitae), Labcorp
Classification: Uncertain significance for Walker-Warburg congenital muscular dystrophy. Last evaluated: 2022-10-17. Review status: criteria provided, single submitter. Criteria: Invitae Variant Classification Sherloc (09022015). Collection method: clinical testing. Allele origin: germline.
Comment: This sequence change replaces aspartic acid, which is acidic and polar, with tyrosine, which is neutral and polar, at codon 195 of the FKRP protein (p.Asp195Tyr). The frequency data for this variant in the population databases is considered unreliable, as metrics indicate poor data quality at this position in the gnomAD database. This variant has not been reported in the literature in individuals affected with FKRP-related conditions. ClinVar contains an entry for this variant (Variation ID: 1051148). Algorithms developed to predict the effect of missense changes on protein structure and function (SIFT, PolyPhen-2, Align-GVGD) all suggest that this variant is likely to be tolerated. In summary, the available evidence is currently insufficient to determine the role of this variant in disease. Therefore, it has been classified as a Variant of Uncertain Significance.